The following is an entry in ClinVar:

NM_001164508.2(NEB):c.24370_24374dup (p.Gln8126fs)

Genes: NEB (nebulin; minus strand), RIF1 (replication timing regulatory factor 1; plus strand). Cytogenetic location: 2q23.3.
Variant type: Duplication.
Coding change: c.24370_24374dup on transcript NM_001164508.2 (MANE Select); coding-DNA positions 24370 to 24374, 5 bases duplicated (CACAA; older notation c.24370_24374dupCACAA).
Protein change: p.Gln8126fs; shifts the reading frame from glutamine 8126.
Molecular consequence: frameshift variant. On other transcripts: intron variant (1).
Genome position (GRCh38, 1-based): chr2:151,496,960-151,496,964, TTGTG duplicated on the plus strand (CACAA on the coding strand, the reverse complement: NEB is on the minus strand); duplicating any 5 consecutive bases within chr2:151,496,960-151,496,966 gives the same sequence; the c. name uses the placement nearest the transcript's 3' end. VCF-style (leftmost placement, unchanged base first): chr2-151496959-A-ATTGTG. GRCh37 (hg19) VCF-style: chr2-152353473-A-ATTGTG.
Other names: NM_001164508.2(NEB):c.24370_24374dup; p.Gln8126fs; c.24370_24374dup, p.Gln8126fs (NM_001164507.2); c.24475_24479dup, p.Gln8161fs (NM_001271208.2); c.18826-596_18826-592dup (NM_004543.5); c.24475_24479dup (NM_001271208.1); short protein forms Q8126fs, Q8161fs.
Identifiers: ClinVar variation 2677141 (VCV002677141.2), dbSNP rs2551841653, ClinGen allele CA2586970171.

ClinVar aggregate classification (germline): Pathogenic/Likely pathogenic. Review status: criteria provided, multiple submitters, no conflicts (2 of 4 stars). 2 submissions from 2 submitters: Pathogenic (1); Likely pathogenic (1). Last evaluated 2025-02-25.

Conditions:
Nemaline myopathy. Also called: Myopathies, Nemaline. Identifiers: Orphanet 607, MedGen C0206157, MONDO:0018958.
Arthrogryposis multiplex congenita 6. Identifiers: MedGen C5543431, MONDO:0030281, OMIM 619334.

Submissions (2):

Broad Center for Mendelian Genomics, Broad Institute of MIT and Harvard
Classification: Likely pathogenic for Nemaline myopathy. Last evaluated: 2025-02-25. Review status: criteria provided, single submitter. Criteria: ACMG Guidelines, 2015. Collection method: curation. Allele origin: germline. Inheritance: Autosomal recessive inheritance.
Comment: The p.Gln8126ThrfsTer21 variant in NEB has been reported in one individual with nemaline myopathy (PMID: 25205138), and has been identified in 0.006% (5/86338) of South Asian chromosomes by the Genome Aggregation Database (gnomAD). Although this variant has been seen in the general population in a heterozygous state, its frequency is low enough to be consistent with a recessive carrier frequency. This variant has also been reported in ClinVar (Variation ID: 2677141) and has been interpreted as pathogenic by Baylor Genetics. This variant is predicted to cause a frameshift, which alters the protein‚Äôs amino acid sequence beginning at position 8126 and leads to a premature termination codon 21 amino acids downstream. This alteration is then predicted to lead to a truncated or absent protein. Loss of function of the NEB gene is an established disease mechanism in autosomal recessive nemaline myopathy. In summary, although additional studies are required to fully establish its clinical significance, this variant is likely pathogenic for autosomal recessive nemaline myopathy. ACMG/AMP Criteria applied: PVS1, PM2_supporting (Richards 2015).

Baylor Genetics
Classification: Pathogenic for Arthrogryposis multiplex congenita 6. Last evaluated: 2023-02-01. Review status: criteria provided, single submitter. Criteria: ACMG Guidelines, 2015. Collection method: clinical testing. Allele origin: unknown.